The following is an entry in ClinVar:

NM_016169.4(SUFU):c.27C>A (p.Ala9=)

Genes: SUFU (SUFU negative regulator of hedgehog signaling; plus strand), LOC130004614 (ATAC-STARR-seq lymphoblastoid silent region 2764; plus strand). Cytogenetic location: 10q24.32.
Variant type: single nucleotide variant.
Coding change: c.27C>A on transcript NM_016169.4 (MANE Select); coding-DNA position 27, C replaced by A.
Protein change: p.Ala9=; no amino-acid change (alanine 9 retained).
Molecular consequence: synonymous variant.
Genome position (GRCh38, 1-based): chr10:102,504,179, C>A. VCF-style: chr10-102504179-C-A. GRCh37 (hg19) VCF-style: chr10-104263936-C-A.
Other names: c.27C>A, p.Ala9= (NM_001178133.2).
Identifiers: ClinVar variation 1126585 (VCV001126585.12), dbSNP rs1244167364, ClinGen allele CA471304786.

ClinVar aggregate classification (germline): Conflicting classifications of pathogenicity. Review status: criteria provided, conflicting classifications (1 of 4 stars). 4 submissions from 4 submitters: Uncertain significance (2); Likely benign (2). Last evaluated 2025-04-21.

Conditions:
Gorlin syndrome. Also called: Nevoid Basal Cell Carcinoma Syndrome; Basal cell nevus syndrome. Identifiers: Orphanet 377, MedGen C0004779, MONDO:0007187.
Medulloblastoma (MDB). Also called: Medulloblastoma, somatic; MEDULLOBLASTOMA PREDISPOSITION SYNDROME. Identifiers: Orphanet 616, MedGen C0025149, MeSH D008527, MONDO:0007959, OMIM 155255, HP:0002885.
Hereditary cancer-predisposing syndrome. Also called: Neoplastic Syndromes, Hereditary; Tumor predisposition; Hereditary Cancer Syndrome; Hereditary neoplastic syndrome. Identifiers: Orphanet 140162, MedGen C0027672, MeSH D009386, MONDO:0015356.

gnomAD v4.1: 2 of 1,546,880 alleles (0.00013%); highest among the groups gnomAD compares: Non-Finnish European, 0.000087%; no homozygotes.

Submissions (4):

Quest Diagnostics Nichols Institute San Juan Capistrano
Classification: Uncertain significance. Last evaluated: 2025-04-21. Review status: criteria provided, single submitter. Criteria: Quest Diagnostics criteria. Collection method: clinical testing. Allele origin: unknown.
Comment: The SUFU c.27C>A (p.Ala9=) synonymous variant has not been reported in individuals with SUFU-related conditions in the published literature. It also has not been reported in large, multi-ethnic general populations (Genome Aggregation Database). Analysis of this variant using software algorithms for the prediction of the effect of nucleotide changes on splicing yielded predictions that this variant does not affect SUFU mRNA splicing. Based on the available information, we are unable to determine the clinical significance of this variant.

Labcorp Genetics (formerly Invitae), Labcorp
Classification: Likely benign for Gorlin syndrome; Medulloblastoma. Last evaluated: 2025-04-07. Review status: criteria provided, single submitter. Criteria: Invitae Variant Classification Sherloc (09022015). Collection method: clinical testing. Allele origin: germline.

Ambry Genetics
Classification: Likely benign for Hereditary cancer-predisposing syndrome. Last evaluated: 2024-05-09. Review status: criteria provided, single submitter. Criteria: Ambry Variant Classification Scheme 2023. Collection method: clinical testing. Allele origin: germline.

Sema4
Classification: Uncertain significance for Hereditary cancer-predisposing syndrome. Last evaluated: 2022-02-16. Review status: criteria provided, single submitter. Criteria: Sema4 Curation Guidelines. Collection method: curation. Allele origin: germline.
Comment: The SUFU c.27C>A (p.A9=) variant has not been reported in the literature to our knowledge. It was not observed in the large and broad cohorts of the Genome Aggregation Database (PMID: 32461654). This variant has been reported in ClinVar (Variation ID 1126585). The nucleotide is moderately conserved and in silico tools that predict the effect of sequence changes on splicing suggest that this variant may not impact splicing, though these predictions have not been confirmed by functional studies. The evidence is insufficient to meet ACMG/AMP criteria for classifying the variant as benign or pathogenic. Thus, the clinical significance of this variant is currently uncertain.